The following is an entry in ClinVar:

NM_005744.5(ARIH1):c.158G>A (p.Gly53Asp)

Gene: ARIH1 (ariadne RBR E3 ubiquitin protein ligase 1; plus strand). Cytogenetic location: 15q24.1.
Variant type: single nucleotide variant.
Coding change: c.158G>A on transcript NM_005744.5 (MANE Select); coding-DNA position 158, G replaced by A.
Protein change: p.Gly53Asp; replaces glycine 53 with aspartic acid.
Molecular consequence: missense variant.
Genome position (GRCh38, 1-based): chr15:72,474,797, G>A. VCF-style: chr15-72474797-G-A. GRCh37 (hg19) VCF-style: chr15-72767138-G-A.
Other names: short protein forms G53D.
Identifiers: ClinVar variation 2805970 (VCV002805970.3), dbSNP rs2542669504, ClinGen allele CA393236812.

ClinVar aggregate classification (germline): Uncertain significance (1 of 4 stars; one submission).

Allele frequency attached by ClinVar (database versions not stated): gnomAD exomes below 0.00001.
gnomAD v4.1: 3 of 1,501,418 alleles (0.0002%); highest among the groups gnomAD compares: Non-Finnish European, 0.00027%; no homozygotes.

Submission:

Labcorp Genetics (formerly Invitae), Labcorp
Classification: Uncertain significance. Last evaluated: 2024-10-21. Review status: criteria provided, single submitter. Criteria: Invitae Variant Classification Sherloc (09022015). Collection method: clinical testing. Allele origin: germline.
Comment: This sequence change replaces glycine, which is neutral and non-polar, with aspartic acid, which is acidic and polar, at codon 53 of the ARIH1 protein (p.Gly53Asp). This variant is not present in population databases (gnomAD no frequency). This variant has not been reported in the literature in individuals affected with ARIH1-related conditions. Experimental studies and prediction algorithms are not available or were not evaluated, and the functional significance of this variant is currently unknown. In summary, the available evidence is currently insufficient to determine the role of this variant in disease. Therefore, it has been classified as a Variant of Uncertain Significance.